The following is an entry in ClinVar:

ClinVar aggregate classification (germline): Likely benign. Review status: criteria provided, single submitter (1 of 4 stars). 2 submissions from 2 submitters: Likely benign (1). 1 of the submissions does not count toward it. Last evaluated 2026-01-18.

Conditions:
PGM3-related disorder. Also called: PGM3-related condition.
Immunodeficiency 23 (IMD23). Also called: IMMUNODEFICIENCY WITH HYPER IgE AND COGNITIVE IMPAIRMENT; IMMUNODEFICIENCY-VASCULITIS-MYOCLONUS SYNDROME. Identifiers: Orphanet 443811, MedGen C4014371, MONDO:0014353, OMIM 615816.

Allele frequency attached by ClinVar (database versions not stated): ExAC 0.00001; gnomAD 0.00001; gnomAD exomes 0.00001 and 0.00010; TOPMed 0.00002.
gnomAD v4.1: 138 of 1,613,948 alleles (0.0086%); highest among the groups gnomAD compares: Non-Finnish European, 0.012%; no homozygotes.

Submissions (2):

Labcorp Genetics (formerly Invitae), Labcorp
Classification: Likely benign for Immunodeficiency 23. Last evaluated: 2026-01-18. Review status: criteria provided, single submitter. Criteria: Invitae Variant Classification Sherloc (09022015). Collection method: clinical testing. Allele origin: germline.

PreventionGenetics, part of Exact Sciences
Classification: Likely benign for PGM3-related condition. Last evaluated: 2023-04-10. Review status: no assertion criteria provided. Collection method: clinical testing. Allele origin: germline. Not counted in ClinVar's aggregate classification.
Comment: This variant is classified as likely benign based on ACMG/AMP sequence variant interpretation guidelines (Richards et al. 2015 PMID: 25741868, with internal and published modifications).

NM_015599.3(PGM3):c.357A>G (p.Gln119=)

Gene: PGM3 (phosphoglucomutase 3; minus strand). Cytogenetic location: 6q14.1.
Variant type: single nucleotide variant.
Coding change: c.357A>G on transcript NM_015599.3 (MANE Select); coding-DNA position 357, A replaced by G.
Protein change: p.Gln119=; no amino-acid change (glutamine 119 retained).
Molecular consequence: synonymous variant. On other transcripts: non-coding transcript variant (1).
Genome position (GRCh38, 1-based): chr6:83,188,646, T>C on the plus strand (A>G on the coding strand, the complement: PGM3 is on the minus strand). VCF-style: chr6-83188646-T-C. GRCh37 (hg19) VCF-style: chr6-83898365-T-C.
Other names: c.441A>G (NM_001199917.1); c.441A>G, p.Gln147= (NM_001199917.2, NM_001367287.1); c.114A>G, p.Gln38= (NM_001199918.2); c.357A>G, p.Gln119= (NM_001199919.2, NM_001367286.1).
Identifiers: ClinVar variation 1442184 (VCV001442184.8), dbSNP rs754954770, ClinGen allele CA3906834.
Genomic context (GRCh38, chr6:83,188,646, plus strand): 5'-TTTTTTTACCAGTAACTCTTATCATCACCTGGTATCTCTACCAATAACTACAAAGGCATC[T>C]TGTTGCAGATTCACAGCTTCTTTCTCGCTGATGTCAATAAGCACTCTCTGCATATCTTGT-3'
Protein context (NP_056414.1, residues 109-129): ISEKEAVNLQ[Gln119=]DAFVVIGRDT